The following is an entry in ClinVar:

ClinVar aggregate classification (germline): Pathogenic. Review status: reviewed by expert panel (3 of 4 stars). 9 submissions from 9 submitters: Pathogenic (1). 8 of the submissions do not count toward it. Last evaluated 2016-09-08.

Conditions:
Hereditary cancer-predisposing syndrome. Also called: Tumor predisposition; Neoplastic Syndromes, Hereditary; Hereditary neoplastic syndrome; Hereditary Cancer Syndrome. Identifiers: Orphanet 140162, MedGen C0027672, MeSH D009386, MONDO:0015356.
Hereditary breast ovarian cancer syndrome. Also called: Hereditary breast and ovarian cancer; Hereditary breast and ovarian cancer syndrome (HBOC); Hereditary breast and/or ovarian cancer syndrome; Breast and ovarian cancer; Hereditary breast and ovarian cancer syndrome; BRCA1- and BRCA2-Associated Hereditary Breast and Ovarian Cancer. Identifiers: Orphanet 145, MedGen C0677776, MeSH D061325, MONDO:0003582. Disease mechanism: loss of function.
Breast-ovarian cancer, familial, susceptibility to, 2 (BROVCA2). Also called: BRCA2 Hereditary Breast and Ovarian Cancer. Identifiers: Orphanet 145, MedGen C2675520, MONDO:0012933, OMIM 612555. Disease mechanism: loss of function.
Familial cancer of breast. Also called: Hereditary breast cancer; BREAST CANCER, FAMILIAL; hereditary breast carcinoma. Identifiers: Orphanet 227535, MedGen C0346153, MONDO:0016419, OMIM 114480. Disease mechanism: loss of function.

Submissions (9):

Evidence-based Network for the Interpretation of Germline Mutant Alleles (ENIGMA)
Classification: Pathogenic for Breast-ovarian cancer, familial, susceptibility to, 2. Last evaluated: 2016-09-08. Review status: reviewed by expert panel. Criteria: ENIGMA BRCA1/2 Classification Criteria (2015). Collection method: curation. Allele origin: germline.
Comment: Variant allele predicted to encode a truncated non-functional protein.

Ambry Genetics
Classification: Pathogenic for Hereditary cancer-predisposing syndrome. Last evaluated: 2025-10-27. Review status: criteria provided, single submitter. Criteria: Ambry Variant Classification Scheme 2023. Collection method: clinical testing. Allele origin: germline. Not counted in ClinVar's aggregate classification.
Comment: The c.8253dupT pathogenic mutation, located in coding exon 17 of the BRCA2 gene, results from a duplication of T at nucleotide position 8253, causing a translational frameshift with a predicted alternate stop codon (p.I2752Yfs*12). This variant is considered to be rare based on population cohorts in the Genome Aggregation Database (gnomAD). This alteration is expected to result in loss of function by premature protein truncation or nonsense-mediated mRNA decay. As such, this alteration is interpreted as a disease-causing mutation.

Labcorp Genetics (formerly Invitae), Labcorp
Classification: Pathogenic for Hereditary breast ovarian cancer syndrome. Last evaluated: 2022-04-21. Review status: criteria provided, single submitter. Criteria: Invitae Variant Classification Sherloc (09022015). Collection method: clinical testing. Allele origin: germline. Not counted in ClinVar's aggregate classification.
Comment: This sequence change creates a premature translational stop signal (p.Ile2752Tyrfs*12) in the BRCA2 gene. It is expected to result in an absent or disrupted protein product. Loss-of-function variants in BRCA2 are known to be pathogenic (PMID: 20104584). For these reasons, this variant has been classified as Pathogenic. ClinVar contains an entry for this variant (Variation ID: 38146). This premature translational stop signal has been observed in individual(s) with a personal or family history of breast and/or ovarian cancer (PMID: 29446198). This variant is not present in population databases (gnomAD no frequency).

Baylor Genetics
Classification: Pathogenic for Familial cancer of breast. Last evaluated: 2022-01-14. Review status: criteria provided, single submitter. Criteria: ACMG Guidelines, 2015. Collection method: clinical testing. Allele origin: unknown. Not counted in ClinVar's aggregate classification.

Color Diagnostics, LLC DBA Color Health
Classification: Pathogenic for Hereditary cancer-predisposing syndrome. Last evaluated: 2020-05-22. Review status: criteria provided, single submitter. Criteria: ACMG Guidelines, 2015. Collection method: clinical testing. Allele origin: germline. Not counted in ClinVar's aggregate classification.
Comment: This variant inserts 1 nucleotide in exon 18 of the BRCA2 gene, creating a frameshift and premature translation stop signal. This variant is expected to result in an absent or non-functional protein product. To our knowledge, this variant has not been reported in individuals affected with hereditary cancer in the literature. This variant has not been identified in the general population by the Genome Aggregation Database (gnomAD). Loss of BRCA2 function is a known mechanism of disease. Based on the available evidence, this variant is classified as Pathogenic.

GeneDx
Classification: Pathogenic. Last evaluated: 2018-03-15. Review status: criteria provided, single submitter. Criteria: GeneDx Variant Classification (06012015). Collection method: clinical testing. Allele origin: germline. Affected: yes. Not counted in ClinVar's aggregate classification.
Comment: This duplication of one nucleotide in BRCA2 is denoted c.8253dupT at the cDNA level and p.Ile2752TyrfsX12 (I2752YfsX12) at the protein level. Using alternate nomenclature, this variant would be defined as BRCA2 8481insT or 8253_8254insT. The normal sequence, with the base that is duplicated in brackets, is AGAT[dupT]ATTC. The duplication causes a frameshift which changes an Isoleucine to a Tyrosine at codon 2752, and creates a premature stop codon at position 12 of the new reading frame. This variant is predicted to cause loss of normal protein function through either protein truncation or nonsense-mediated mRNA decay. BRCA2 c.8253dupT has been observed as a positive control in a technology validation study, no clinical information was provided (De Leeneer 2015). We consider this variant to be pathogenic.

Consortium of Investigators of Modifiers of BRCA1/2 (CIMBA), c/o University of Cambridge
Classification: Pathogenic for Breast-ovarian cancer, familial, susceptibility to, 2. Last evaluated: 2015-10-02. Review status: criteria provided, single submitter. Criteria: CIMBA Mutation Classification guidelines May 2016. Collection method: clinical testing. Allele origin: germline. Not counted in ClinVar's aggregate classification.

Sharing Clinical Reports Project (SCRP)
Classification: Pathogenic for Breast-ovarian cancer, familial 2. Last evaluated: 2012-05-01. Review status: no assertion criteria provided. Collection method: clinical testing. Allele origin: germline. Not counted in ClinVar's aggregate classification.

Breast Cancer Information Core (BIC) (BRCA2)
Classification: Pathogenic for Breast-ovarian cancer, familial 2. Last evaluated: 2002-05-29. Review status: no assertion criteria provided. Collection method: clinical testing. Allele origin: germline. Affected: yes. Observed: 2 variant alleles. Not counted in ClinVar's aggregate classification.

Literature cited by the submitters: PubMed 20104584 (cited by Labcorp Genetics (formerly Invitae), Labcorp); PubMed 29446198 (cited by Labcorp Genetics (formerly Invitae), Labcorp).

NM_000059.4(BRCA2):c.8253dup (p.Ile2752fs)

Gene: BRCA2 (BRCA2 DNA repair associated; plus strand). Cytogenetic location: 13q13.1.
Variant type: Duplication.
Coding change: c.8253dup on transcript NM_000059.4 (MANE Select); coding-DNA position 8253, one base duplicated (T; older notation c.8253dupT).
Protein change: p.Ile2752fs; shifts the reading frame from isoleucine 2752.
Molecular consequence: frameshift variant.
Genome position (GRCh38, 1-based): chr13:32,363,455, T duplicated; the last of 2 consecutive T bases (chr13:32,363,454-32,363,455); duplicating either gives the same sequence. VCF-style (leftmost placement, unchanged base first): chr13-32363453-A-AT. GRCh37 (hg19) VCF-style: chr13-32937590-A-AT.
Other names: 8481insT; c.8253dupT (NM_000059.3); short protein forms I2752fs.
Identifiers: ClinVar variation 38146 (VCV000038146.20), dbSNP rs80359704, ClinGen allele CA025540.